The following is an entry in ClinVar:

ClinVar aggregate classification (germline): Uncertain significance (1 of 4 stars; one submission).

Allele frequency attached by ClinVar (database versions not stated): gnomAD exomes 0.00001; ExAC 0.00005.
gnomAD v4.1: 12 of 1,551,406 alleles (0.00077%); highest among the groups gnomAD compares: South Asian, 0.014%; no homozygotes.

Submission:

Labcorp Genetics (formerly Invitae), Labcorp
Classification: Uncertain significance. Last evaluated: 2023-03-02. Review status: criteria provided, single submitter. Criteria: Invitae Variant Classification Sherloc (09022015). Collection method: clinical testing. Allele origin: germline.
Comment: In summary, the available evidence is currently insufficient to determine the role of this variant in disease. Therefore, it has been classified as a Variant of Uncertain Significance. An algorithm developed to predict the effect of missense changes on protein structure and function (PolyPhen-2) suggests that this variant is likely to be disruptive. This variant has not been reported in the literature in individuals affected with GREB1L-related conditions. This variant is present in population databases (rs781345673, gnomAD 0.01%). This sequence change replaces valine, which is neutral and non-polar, with isoleucine, which is neutral and non-polar, at codon 604 of the GREB1L protein (p.Val604Ile).

NM_001142966.3(GREB1L):c.1810G>A (p.Val604Ile)

Gene: GREB1L (GREB1 like retinoic acid receptor coactivator; plus strand). Cytogenetic location: 18q11.1.
Variant type: single nucleotide variant.
Coding change: c.1810G>A on transcript NM_001142966.3 (MANE Select); coding-DNA position 1810, G replaced by A.
Protein change: p.Val604Ile; replaces valine 604 with isoleucine.
Molecular consequence: missense variant.
Genome position (GRCh38, 1-based): chr18:21,451,112, G>A. VCF-style: chr18-21451112-G-A. GRCh37 (hg19) VCF-style: chr18-19031073-G-A.
Other names: c.1939G>A, p.Val647Ile (NM_001410867.1); c.1483G>A, p.Val495Ile (NM_001410868.1); short protein forms V495I, V604I, V647I.
Identifiers: ClinVar variation 2798968 (VCV002798968.3), dbSNP rs781345673, ClinGen allele CA8906429.